The following is an entry in ClinVar:

ClinVar aggregate classification (germline): Uncertain significance. Review status: criteria provided, multiple submitters, no conflicts (2 of 4 stars). 2 submissions from 2 submitters: Uncertain significance (2). Last evaluated 2024-11-02.

Allele frequency attached by ClinVar (database versions not stated): gnomAD exomes below 0.00001.
gnomAD v4.1: 3 of 1,614,026 alleles (0.00019%); highest among the groups gnomAD compares: Admixed American, 0.005%; no homozygotes.

Submissions (2):

Ambry Genetics
Classification: Uncertain significance. Last evaluated: 2024-11-02. Review status: criteria provided, single submitter. Criteria: Ambry Variant Classification Scheme 2023. Collection method: clinical testing. Allele origin: germline.
Comment: The p.E28D variant (also known as c.84G>C), located in coding exon 2 of the RINT1 gene, results from a G to C substitution at nucleotide position 84. The glutamic acid at codon 28 is replaced by aspartic acid, an amino acid with highly similar properties. This amino acid position is well conserved in available vertebrate species. In addition, this alteration is predicted to be tolerated by in silico analysis. Since supporting evidence is limited at this time, the clinical significance of this alteration remains unclear.

Labcorp Genetics (formerly Invitae), Labcorp
Classification: Uncertain significance. Last evaluated: 2020-10-27. Review status: criteria provided, single submitter. Criteria: Invitae Variant Classification Sherloc (09022015). Collection method: clinical testing. Allele origin: germline.
Comment: In summary, the available evidence is currently insufficient to determine the role of this variant in disease. Therefore, it has been classified as a Variant of Uncertain Significance. Algorithms developed to predict the effect of missense changes on protein structure and function (SIFT, PolyPhen-2, Align-GVGD) all suggest that this variant is likely to be tolerated, but these predictions have not been confirmed by published functional studies and their clinical significance is uncertain. This variant has not been reported in the literature in individuals with RINT1-related disease. This variant is not present in population databases (ExAC no frequency). This sequence change replaces glutamic acid with aspartic acid at codon 28 of the RINT1 protein (p.Glu28Asp). The glutamic acid residue is moderately conserved and there is a small physicochemical difference between glutamic acid and aspartic acid.

NM_021930.6(RINT1):c.84G>C (p.Glu28Asp)

Gene: RINT1 (RAD50 interactor 1; plus strand). Cytogenetic location: 7q22.3.
Variant type: single nucleotide variant.
Coding change: c.84G>C on transcript NM_021930.6 (MANE Select); coding-DNA position 84, G replaced by C.
Protein change: p.Glu28Asp; replaces glutamic acid 28 with aspartic acid.
Molecular consequence: missense variant. On other transcripts: 5 prime UTR variant (4), non-coding transcript variant (1).
Genome position (GRCh38, 1-based): chr7:105,532,865, G>C. VCF-style: chr7-105532865-G-C. GRCh37 (hg19) VCF-style: chr7-105173312-G-C.
Other names: c.-14G>C (NM_001346599.2); c.-936G>C (NM_001346600.2); c.-839G>C (NM_001346601.2); c.-459G>C (NM_001346603.2); short protein forms E28D.
Identifiers: ClinVar variation 657861 (VCV000657861.12), dbSNP rs1060504807, ClinGen allele CA368799500.